The following is an entry in ClinVar:

NM_001243133.2(NLRP3):c.2474G>T (p.Cys825Phe)

Gene: NLRP3 (NLR family pyrin domain containing 3; plus strand). Cytogenetic location: 1q44.
Variant type: single nucleotide variant.
Coding change: c.2474G>T on transcript NM_001243133.2 (MANE Select); coding-DNA position 2474, G replaced by T.
Protein change: p.Cys825Phe; replaces cysteine 825 with phenylalanine.
Molecular consequence: missense variant.
Genome position (GRCh38, 1-based): chr1:247,434,255, G>T. VCF-style: chr1-247434255-G-T. GRCh37 (hg19) VCF-style: chr1-247597557-G-T.
Other names: c.2474G>T, p.Cys825Phe (NM_001079821.3, NM_001127461.3); c.2303G>T, p.Cys768Phe (NM_001127462.3, NM_183395.3); c.2480G>T, p.Cys827Phe (NM_004895.5); short protein forms C768F, C825F, C827F.
Identifiers: ClinVar variation 2442696 (VCV002442696.1), dbSNP rs2527368522, ClinGen allele CA345561412.
Genomic context (GRCh38, chr1:247,434,255, plus strand): 5'-ACAACGCCCTCGGTGACTTCGGAATCAGACTTCTGTGTGTGGGACTGAAGCACCTGTTGT[G>T]CAATCTGAAGAAGCTCTGGTGAGTCGAGCCCGTTCCCCTAAGGAAGTTCTGCCAGCGAGG-3'
Protein context (NP_001230062.1, residues 815-835): LLCVGLKHLL[Cys825Phe]NLKKLWLVSC

ClinVar aggregate classification (germline): Uncertain significance (1 of 4 stars; one submission).

Submission:

GeneDx
Classification: Uncertain significance. Last evaluated: 2022-08-29. Review status: criteria provided, single submitter. Criteria: GeneDx Variant Classification Process June 2021. Collection method: clinical testing. Allele origin: germline. Affected: yes.
Comment: Not observed at significant frequency in large population cohorts (gnomAD); In silico analysis supports that this missense variant has a deleterious effect on protein structure/function; Has not been previously published as pathogenic or benign to our knowledge